The following is an entry in ClinVar:

NM_014956.5(CEP164):c.2914-6C>T

Gene: CEP164 (centrosomal protein 164; plus strand). Cytogenetic location: 11q23.3.
Variant type: single nucleotide variant.
Coding change: c.2914-6C>T on transcript NM_014956.5 (MANE Select); 6 bases into the intron before coding-DNA position 2914, C replaced by T.
Molecular consequence: intron variant.
Genome position (GRCh38, 1-based): chr11:117,395,541, C>T. VCF-style: chr11-117395541-C-T. GRCh37 (hg19) VCF-style: chr11-117266257-C-T.
Other names: c.2923-6C>T (NM_001271933.2); c.2914-6C>T (NM_014956.4).
Identifiers: ClinVar variation 2185694 (VCV002185694.7), dbSNP rs1686415613, ClinGen allele CA942662691.

ClinVar aggregate classification (germline): Conflicting classifications of pathogenicity. Review status: criteria provided, conflicting classifications (1 of 4 stars). 3 submissions from 3 submitters: Uncertain significance (1); Likely benign (1). 1 of the submissions does not count toward it. Last evaluated 2025-08-23.

Conditions:
CEP164-related disorder. Also called: CEP164-related condition.
Nephronophthisis 15 (NPHP15). Identifiers: Orphanet 3156, MedGen C3541853, MONDO:0013917, OMIM 614845.

Allele frequency attached by ClinVar (database versions not stated): gnomAD 0.00001; TOPMed 0.00001; gnomAD exomes 0.00002.
gnomAD v4.1: 28 of 1,605,542 alleles (0.0017%); highest among the groups gnomAD compares: Non-Finnish European, 0.0023%; no homozygotes.

Submissions (3):

Labcorp Genetics (formerly Invitae), Labcorp
Classification: Likely benign for Nephronophthisis 15. Last evaluated: 2025-08-23. Review status: criteria provided, single submitter. Criteria: Invitae Variant Classification Sherloc (09022015). Collection method: clinical testing. Allele origin: germline.

Blueprint Genetics
Classification: Uncertain significance. Last evaluated: 2023-06-08. Review status: criteria provided, single submitter. Criteria: ACMG Guidelines, 2015. Collection method: clinical testing. Allele origin: germline.

PreventionGenetics, part of Exact Sciences
Classification: Likely benign for CEP164-related condition. Last evaluated: 2024-01-08. Review status: no assertion criteria provided. Collection method: clinical testing. Allele origin: germline. Not counted in ClinVar's aggregate classification.
Comment: This variant is classified as likely benign based on ACMG/AMP sequence variant interpretation guidelines (Richards et al. 2015 PMID: 25741868, with internal and published modifications).